The following is an entry in ClinVar:

NM_001913.5(CUX1):c.1813dup (p.Leu605fs)

Gene: CUX1 (cut like homeobox 1; plus strand). Cytogenetic location: 7q22.1.
Variant type: Duplication.
Coding change: c.1813dup on transcript NM_001913.5 (MANE Plus Clinical); coding-DNA position 1813, one base duplicated (C; older notation c.1813dupC).
Protein change: p.Leu605fs; shifts the reading frame from leucine 605.
Molecular consequence: frameshift variant.
Genome position (GRCh38, 1-based): chr7:102,280,852, C duplicated; the last of 3 consecutive C bases (chr7:102,280,850-102,280,852); duplicating any one gives the same sequence. VCF-style (leftmost placement, unchanged base first): chr7-102280849-A-AC. GRCh37 (hg19) VCF-style: chr7-101924141-A-AC.
Other names: c.1807dup, p.Leu603fs (NM_181500.4); c.1765dup, p.Leu589fs (NM_001202544.3); c.1675dup, p.Leu559fs (NM_001202545.3); c.1696dup, p.Leu566fs (NM_001202546.3); short protein forms L559fs, L566fs, L589fs, L603fs, L605fs.
Identifiers: ClinVar variation 1710422 (VCV001710422.7), dbSNP rs2486789520, ClinGen allele CA2580076046.

ClinVar aggregate classification (germline): Likely pathogenic (1 of 4 stars; one submission).

Conditions:
Global developmental delay with or without impaired intellectual development. Identifiers: MedGen C5193032, MONDO:0032680, OMIM 618330.

Submission:

Greenwood Genetic Center Diagnostic Laboratories, Greenwood Genetic Center
Classification: Likely pathogenic for Global developmental delay with or without impaired intellectual development. Last evaluated: 2022-09-28. Review status: criteria provided, single submitter. Criteria: ACMG Guidelines, 2015. Collection method: clinical testing. Allele origin: germline. Affected: yes.
Comment: PM2